The following is an entry in ClinVar:

ClinVar aggregate classification (germline): Uncertain significance. Review status: criteria provided, multiple submitters, no conflicts (2 of 4 stars). 4 submissions from 4 submitters: Uncertain significance (3). 1 of the submissions does not count toward it. Last evaluated 2022-03-16.

Conditions:
Medulloblastoma (MDB). Also called: MEDULLOBLASTOMA PREDISPOSITION SYNDROME; Medulloblastoma, somatic. Identifiers: Orphanet 616, MedGen C0025149, MeSH D008527, MONDO:0007959, OMIM 155255, HP:0002885.
Familial dysautonomia. Also called: FD; HSAN III. Identifiers: Orphanet 1764, MedGen C0013364, MONDO:0009131, OMIM 223900. Disease mechanism: loss of function.

Allele frequency attached by ClinVar (database versions not stated): gnomAD exomes below 0.00001 and 0.00001; ExAC 0.00001; gnomAD 0.00003; TOPMed 0.00004.

Submissions (4):

Fulgent Genetics
Classification: Uncertain significance for Medulloblastoma; Familial dysautonomia. Last evaluated: 2022-03-16. Review status: criteria provided, single submitter. Criteria: ACMG Guidelines, 2015. Collection method: clinical testing. Allele origin: unknown.

Labcorp Genetics (formerly Invitae), Labcorp
Classification: Uncertain significance. Last evaluated: 2021-09-01. Review status: criteria provided, single submitter. Criteria: Invitae Variant Classification Sherloc (09022015). Collection method: clinical testing. Allele origin: germline.
Comment: This sequence change replaces tyrosine with cysteine at codon 605 of the ELP1 protein (p.Tyr605Cys). The tyrosine residue is weakly conserved and there is a large physicochemical difference between tyrosine and cysteine. The frequency data for this variant in the population databases is considered unreliable, as metrics indicate poor data quality at this position in the ExAC database. This variant has not been reported in the literature in individuals affected with ELP1-related conditions. ClinVar contains an entry for this variant (Variation ID: 194633). Algorithms developed to predict the effect of missense changes on protein structure and function (SIFT, PolyPhen-2, Align-GVGD) all suggest that this variant is likely to be tolerated. In summary, the available evidence is currently insufficient to determine the role of this variant in disease. Therefore, it has been classified as a Variant of Uncertain Significance.

Eurofins Ntd Llc (ga)
Classification: Uncertain significance. Last evaluated: 2015-05-26. Review status: criteria provided, single submitter. Criteria: EGL Classification Definitions 2015. Collection method: clinical testing. Allele origin: germline. Observed: 1 variant allele, 1 heterozygote.

Natera, Inc.
Classification: Uncertain significance for Familial dysautonomia. Last evaluated: 2020-04-29. Review status: no assertion criteria provided. Collection method: clinical testing. Allele origin: germline. Not counted in ClinVar's aggregate classification.

NM_003640.5(ELP1):c.1814A>G (p.Tyr605Cys)

Gene: ELP1 (elongator acetyltransferase complex subunit 1; minus strand). Cytogenetic location: 9q31.3.
Variant type: single nucleotide variant.
Coding change: c.1814A>G on transcript NM_003640.5 (MANE Select); coding-DNA position 1814, A replaced by G.
Protein change: p.Tyr605Cys; replaces tyrosine 605 with cysteine.
Molecular consequence: missense variant.
Genome position (GRCh38, 1-based): chr9:108,902,879, T>C on the plus strand (A>G on the coding strand, the complement: ELP1 is on the minus strand). VCF-style: chr9-108902879-T-C. GRCh37 (hg19) VCF-style: chr9-111665159-T-C.
Other names: c.1472A>G, p.Tyr491Cys (NM_001318360.2); c.767A>G, p.Tyr256Cys (NM_001330749.2); short protein forms Y605C, Y256C, Y491C.
Identifiers: ClinVar variation 194633 (VCV000194633.9), dbSNP rs756919296, ClinGen allele CA240717.